The following is an entry in ClinVar:

NM_013322.3(SNX10):c.498A>C (p.Glu166Asp)

Gene: SNX10 (sorting nexin 10; plus strand). Cytogenetic location: 7p15.2.
Variant type: single nucleotide variant.
Coding change: c.498A>C on transcript NM_013322.3 (MANE Select); coding-DNA position 498, A replaced by C.
Protein change: p.Glu166Asp; replaces glutamic acid 166 with aspartic acid.
Molecular consequence: missense variant.
Genome position (GRCh38, 1-based): chr7:26,372,007, A>C. VCF-style: chr7-26372007-A-C. GRCh37 (hg19) VCF-style: chr7-26411627-A-C.
Other names: c.498A>C, p.Glu166Asp (NM_001199835.1, NM_001318199.3); c.489A>C, p.Glu163Asp (NM_001199837.3); c.246A>C, p.Glu82Asp (NM_001199838.2); c.576A>C, p.Glu192Asp (NM_001318198.1, NM_001362753.1, NM_001362754.1); short protein forms E163D, E166D, E192D, E82D.
Identifiers: ClinVar variation 1061695 (VCV001061695.8), dbSNP rs1562825219, ClinGen allele CA367228916.

ClinVar aggregate classification (germline): Uncertain significance (1 of 4 stars; one submission).

Allele frequency attached by ClinVar (database versions not stated): gnomAD exomes 0.00001.
gnomAD v4.1: 3 of 1,609,238 alleles (0.00019%); highest among the groups gnomAD compares: Admixed American, 0.005%; no homozygotes.

Submission:

Labcorp Genetics (formerly Invitae), Labcorp
Classification: Uncertain significance. Last evaluated: 2021-05-17. Review status: criteria provided, single submitter. Criteria: Invitae Variant Classification Sherloc (09022015). Collection method: clinical testing. Allele origin: germline.
Comment: This variant has not been reported in the literature in individuals with SNX10-related conditions. This sequence change replaces glutamic acid with aspartic acid at codon 166 of the SNX10 protein (p.Glu166Asp). The glutamic acid residue is weakly conserved and there is a small physicochemical difference between glutamic acid and aspartic acid. This variant is not present in population databases (ExAC no frequency). Algorithms developed to predict the effect of missense changes on protein structure and function output the following: SIFT: "Tolerated"; PolyPhen-2: "Benign"; Align-GVGD: "Class C0". The aspartic acid amino acid residue is found in multiple mammalian species, suggesting that this missense change does not adversely affect protein function. These predictions have not been confirmed by published functional studies and their clinical significance is uncertain. In summary, the available evidence is currently insufficient to determine the role of this variant in disease. Therefore, it has been classified as a Variant of Uncertain Significance.